The following is an entry in ClinVar:

ClinVar aggregate classification (germline): Uncertain significance. Review status: criteria provided, multiple submitters, no conflicts (2 of 4 stars). 2 submissions from 2 submitters: Uncertain significance (2). Last evaluated 2025-08-04.

Conditions:
Inborn genetic diseases. Identifiers: MedGen C0950123, MeSH D030342.

Allele frequency attached by ClinVar (database versions not stated): TOPMed 0.00001; gnomAD exomes 0.00002 and 0.00004; ExAC 0.00003; gnomAD 0.00005 and 0.00006; ESP Exome Variant Server 0.00008; 1000 Genomes Project 30x 0.00016; 1000 Genomes Project 0.00020.
gnomAD v4.1: 49 of 1,614,188 alleles (0.003%); highest among the groups gnomAD compares: Non-Finnish European, 0.00085%; no homozygotes.

Submissions (2):

Ambry Genetics
Classification: Uncertain significance for Inborn genetic diseases. Last evaluated: 2025-08-04. Review status: criteria provided, single submitter. Criteria: Ambry Variant Classification Scheme 2023. Collection method: clinical testing. Allele origin: germline.

Labcorp Genetics (formerly Invitae), Labcorp
Classification: Uncertain significance. Last evaluated: 2022-06-13. Review status: criteria provided, single submitter. Criteria: Invitae Variant Classification Sherloc (09022015). Collection method: clinical testing. Allele origin: germline.
Comment: Algorithms developed to predict the effect of missense changes on protein structure and function are either unavailable or do not agree on the potential impact of this missense change (SIFT: "Deleterious"; PolyPhen-2: "Possibly Damaging"; Align-GVGD: "Class C0"). In summary, the available evidence is currently insufficient to determine the role of this variant in disease. Therefore, it has been classified as a Variant of Uncertain Significance. This variant has not been reported in the literature in individuals affected with EXTL3-related conditions. This variant is present in population databases (rs373430705, gnomAD 0.04%). This sequence change replaces arginine, which is basic and polar, with tryptophan, which is neutral and slightly polar, at codon 63 of the EXTL3 protein (p.Arg63Trp).

NM_001440.4(EXTL3):c.187C>T (p.Arg63Trp)

Gene: EXTL3 (exostosin like glycosyltransferase 3; plus strand). Cytogenetic location: 8p21.1.
Variant type: single nucleotide variant.
Coding change: c.187C>T on transcript NM_001440.4 (MANE Select); coding-DNA position 187, C replaced by T.
Protein change: p.Arg63Trp; replaces arginine 63 with tryptophan.
Molecular consequence: missense variant.
Genome position (GRCh38, 1-based): chr8:28,716,246, C>T. VCF-style: chr8-28716246-C-T. GRCh37 (hg19) VCF-style: chr8-28573763-C-T.
Other names: c.187C>T (NM_001440.2); short protein forms R63W.
Identifiers: ClinVar variation 1397775 (VCV001397775.7), dbSNP rs373430705, ClinGen allele CA4695947.
Genomic context (GRCh38, chr8:28,716,246, plus strand): 5'-TTCCCGCTCATCGCCCACTATTACCTCACCACTCTGGATGAGGCTGATGAGGCAGGCAAG[C>T]GGATTTTTGGTCCCCGGGTGGGGAACGAGCTGTGCGAGGTGAAGCACGTGCTGGATCTGT-3'
Protein context (NP_001431.1, residues 53-73): TLDEADEAGK[Arg63Trp]IFGPRVGNEL